The following is an entry in ClinVar:

NM_004522.3(KIF5C):c.445+41G>A

Gene: KIF5C (kinesin family member 5C; plus strand). Cytogenetic location: 2q23.1.
Variant type: single nucleotide variant.
Coding change: c.445+41G>A on transcript NM_004522.3 (MANE Select); 41 bases into the intron after coding-DNA position 445, G replaced by A.
Molecular consequence: intron variant.
Genome position (GRCh38, 1-based): chr2:148,941,699, G>A. VCF-style: chr2-148941699-G-A. GRCh37 (hg19) VCF-style: chr2-149798213-G-A.
Identifiers: ClinVar variation 682894 (VCV000682894.2), dbSNP rs73970609, ClinGen allele CA1901224.

ClinVar aggregate classification (germline): Benign. Review status: criteria provided, multiple submitters, no conflicts (2 of 4 stars). 2 submissions from 2 submitters: Benign (2). Last evaluated 2018-06-19.

Allele frequency attached by ClinVar (database versions not stated): gnomAD exomes 0.08948 and 0.09768; ExAC 0.12903; ESP Exome Variant Server 0.14230; gnomAD 0.14542 and 0.15006; 1000 Genomes Project 0.14876; 1000 Genomes Project 30x 0.15194; TOPMed 0.15707.
gnomAD v4.1: 148,137 of 1,545,158 alleles (9.6%); highest among the groups gnomAD compares: African/African-American, 30%; 9,503 homozygotes.

Submissions (2):

GeneDx
Classification: Benign. Last evaluated: 2018-06-19. Review status: criteria provided, single submitter. Criteria: GeneDx Variant Classification (06012015). Collection method: clinical testing. Allele origin: germline. Affected: yes.
Comment: This variant is considered likely benign or benign based on one or more of the following criteria: it is a conservative change, it occurs at a poorly conserved position in the protein, it is predicted to be benign by multiple in silico algorithms, and/or has population frequency not consistent with disease.

Breakthrough Genomics
Classification: Benign. Review status: criteria provided, single submitter. Criteria: ACMG Guidelines, 2015. Collection method: not provided. Allele origin: germline. Inheritance: Autosomal dominant inheritance. Affected: yes.